The following is an entry in ClinVar:

ClinVar aggregate classification (germline): Uncertain significance (1 of 4 stars; one submission).

Submission:

Women's Health and Genetics/Laboratory Corporation of America, LabCorp
Classification: Uncertain significance. Last evaluated: 2022-10-12. Review status: criteria provided, single submitter. Criteria: LabCorp Variant Classification Summary - May 2015. Collection method: clinical testing. Allele origin: germline.
Comment: Variant summary: The variant identified by MLPA or other technology involves the deletion of exon 1A, a non-coding region of the PMP22 gene. Two distinct transcripts have been described for the PMP22 gene arising from the alternate utilization of two promoters (P1 and P2). The first transcript containing exon 1A is specifically expressed in Schwann cells, while the second transcript containing exon 1B is ubiquitously expressed (PMIDs: 7929285, 10806367). A presumed nomenclature of c.(?_-239)_(-35+1_-34-1)del has been designated for the purposes of this classification. The variant is expected to result in a large deletion in the untranslated mRNA region upstream of the initiation codon in the PMP22 gene. This deletion may include promoter region(s) and/or may include elements/factors important for expression of the gene (PMIDs: 7929285, 10806367, 12056842, 14664827). However, to our knowledge, no occurrence of exon 1A deletion in individuals affected with PMP22-Related Disorders has been reported in the literature. A deletion of exon 1b has been reported in an individual affected with hereditary neuropathy with liability to pressure palsies (HNPP) (Cho_2014). The variant allele was found at a frequency of 4.6e-05 in 21694 control chromosomes (gnomAD, Structural Variants dataset). These data do not provide any conclusions about association of the variant (deletion of exon 1A) with PMP22-Related Disorders. To our knowledge, no experimental evidence demonstrating an impact on protein function has been reported. No clinical diagnostic laboratories have submitted clinical-significance assessments for this variant to ClinVar after 2014. Furthermore, no other deletion variants within this region were found in ClinVar and missense variants are cited as VUS/likely benign/benign. Based on the evidence outlined above, the variant was classified as uncertain significance.

Literature cited by the submitters: PubMed 25506001.

NC_000017.10:g.(15164079_15168470)_(15168675_?)del

Gene: PMP22 (peripheral myelin protein 22; minus strand). Cytogenetic location: 17p12.
Variant type: Deletion.
Identifiers: ClinVar variation 1723293 (VCV001723293.1).